The following is an entry in ClinVar:

ClinVar aggregate classification (germline): Pathogenic (1 of 4 stars; one submission).

Submission:

GeneDx
Classification: Pathogenic. Last evaluated: 2017-05-03. Review status: criteria provided, single submitter. Criteria: GeneDx Variant Classification (06012015). Collection method: clinical testing. Allele origin: germline. Affected: yes.
Comment: The E1477X pathogenic variant in the FBN1 gene has been previously reported in association with Marfan syndrome (Liu et al., 1997; Schrijver et al., 2002). This variant is predicted to cause loss of normal protein function either by protein truncation or nonsense-mediated mRNA decay. Many other nonsense variants in the FBN1 gene have been reported in Human Gene Mutation Database in association with Marfan syndrome (Stenson et al., 2014). Furthermore, E1477X is not observed in large population cohorts (Lek et al., 2016; 1000 Genomes Consortium et al., 2015; Exome Variant Server). In summary, E1477X in the FBN1 gene is interpreted as a pathogenic variant.

NM_000138.5(FBN1):c.4429G>T (p.Glu1477Ter)

Gene: FBN1 (fibrillin 1; minus strand). Cytogenetic location: 15q21.1.
Variant type: single nucleotide variant.
Coding change: c.4429G>T on transcript NM_000138.5 (MANE Select); coding-DNA position 4429, G replaced by T.
Protein change: p.Glu1477Ter; replaces glutamic acid 1477 with a stop codon.
Molecular consequence: nonsense.
Genome position (GRCh38, 1-based): chr15:48,470,664, C>A on the plus strand (G>T on the coding strand, the complement: FBN1 is on the minus strand). VCF-style: chr15-48470664-C-A. GRCh37 (hg19) VCF-style: chr15-48762861-C-A.
Other names: short protein forms E1477*.
Identifiers: ClinVar variation 429983 (VCV000429983.2), dbSNP rs869025407, ClinGen allele CA392354378.